The following is an entry in ClinVar:

NM_001378615.1(CC2D2A):c.1049T>C (p.Ile350Thr)

Genes: CC2D2A (coiled-coil and C2 domain containing 2A; plus strand), FBXL5 (F-box and leucine rich repeat protein 5; minus strand). Cytogenetic location: 4p15.32.
Variant type: single nucleotide variant.
Coding change: c.1049T>C on transcript NM_001378615.1 (MANE Select); coding-DNA position 1049, T replaced by C.
Protein change: p.Ile350Thr; replaces isoleucine 350 with threonine.
Molecular consequence: missense variant.
Genome position (GRCh38, 1-based): chr4:15,516,656, T>C. VCF-style: chr4-15516656-T-C. GRCh37 (hg19) VCF-style: chr4-15518279-T-C.
Other names: c.1049T>C, p.Ile350Thr (NM_001080522.2); c.902T>C, p.Ile301Thr (NM_001378617.1); short protein forms I301T, I350T.
Identifiers: ClinVar variation 2042260 (VCV002042260.2), dbSNP rs534516025, ClinGen allele CA2863555.

ClinVar aggregate classification (germline): Uncertain significance. Review status: criteria provided, multiple submitters, no conflicts (2 of 4 stars). 2 submissions from 2 submitters: Uncertain significance (2). Last evaluated 2026-03-24.

Conditions:
CC2D2A-related disorder. Also called: CC2D2A-related condition; CC2D2A-related disorders. Identifiers: MedGen CN239313.
Joubert syndrome. Also called: JOUBERT-BOLTSHAUSER SYNDROME; Familial aplasia of the vermis. Identifiers: Orphanet 475, MedGen C5979921, MONDO:0018772.
Meckel-Gruber syndrome. Also called: DYSENCEPHALIA SPLANCHNOCYSTICA; GRUBER SYNDROME; Dysencephalia splachnocystica. Identifiers: Orphanet 564, MedGen C0265215, MONDO:0018921.

Allele frequency attached by ClinVar (database versions not stated): gnomAD 0.00001; gnomAD exomes 0.00001; ExAC 0.00003; 1000 Genomes Project 30x 0.00016; 1000 Genomes Project 0.00020.
gnomAD v4.1: 22 of 1,613,268 alleles (0.0014%); highest among the groups gnomAD compares: South Asian, 0.022%; no homozygotes.

Submissions (2):

PreventionGenetics, part of Exact Sciences
Classification: Uncertain significance for CC2D2A-related condition. Last evaluated: 2026-03-24. Review status: criteria provided, single submitter. Criteria: ACMG Guidelines, 2015. Collection method: clinical testing. Allele origin: germline.
Comment: The CC2D2A c.1049T>C variant is predicted to result in the amino acid substitution p.Ile350Thr. To our knowledge, this variant has not been reported in the literature. This variant is reported in 0.030% of alleles in individuals of South Asian descent in gnomAD. At this time, the clinical significance of this variant is uncertain due to the absence of conclusive functional and genetic evidence.

Labcorp Genetics (formerly Invitae), Labcorp
Classification: Uncertain significance for Joubert syndrome; Meckel-Gruber syndrome. Last evaluated: 2022-08-19. Review status: criteria provided, single submitter. Criteria: Invitae Variant Classification Sherloc (09022015). Collection method: clinical testing. Allele origin: germline.
Comment: This sequence change replaces isoleucine, which is neutral and non-polar, with threonine, which is neutral and polar, at codon 350 of the CC2D2A protein (p.Ile350Thr). This variant is present in population databases (rs534516025, gnomAD 0.03%). This variant has not been reported in the literature in individuals affected with CC2D2A-related conditions. Advanced modeling of protein sequence and biophysical properties (such as structural, functional, and spatial information, amino acid conservation, physicochemical variation, residue mobility, and thermodynamic stability) performed at Invitae indicates that this missense variant is expected to disrupt CC2D2A protein function. In summary, the available evidence is currently insufficient to determine the role of this variant in disease. Therefore, it has been classified as a Variant of Uncertain Significance.